The following is an entry in ClinVar:

ClinVar aggregate classification (germline): Conflicting classifications of pathogenicity. Review status: criteria provided, conflicting classifications (1 of 4 stars). 4 submissions from 4 submitters: Uncertain significance (2); Likely benign (2). Last evaluated 2024-09-03.

Conditions:
Cardiomyopathy (CMYO). Also called: Cardiomyopathies. Identifiers: Orphanet 167848, MedGen C0878544, MONDO:0004994, HP:0001638. Inheritance: Various modes of inheritance.
Hypertrophic cardiomyopathy. Also called: HYPERTROPHIC MYOCARDIOPATHY. Identifiers: Orphanet 217569, MedGen C0007194, MeSH D002312, MONDO:0005045, HP:0001639.

Allele frequency attached by ClinVar (database versions not stated): TOPMed below 0.00001; gnomAD exomes 0.00001.

Submissions (4):

Color Diagnostics, LLC DBA Color Health
Classification: Likely benign for Cardiomyopathy. Last evaluated: 2024-09-03. Review status: criteria provided, single submitter. Criteria: ACMG Guidelines, 2015. Collection method: clinical testing. Allele origin: germline.

Labcorp Genetics (formerly Invitae), Labcorp
Classification: Uncertain significance for Hypertrophic cardiomyopathy. Last evaluated: 2024-05-28. Review status: criteria provided, single submitter. Criteria: Invitae Variant Classification Sherloc (09022015). Collection method: clinical testing. Allele origin: germline.
Comment: This sequence change replaces isoleucine, which is neutral and non-polar, with threonine, which is neutral and polar, at codon 95 of the MYBPC3 protein (p.Ile95Thr). The frequency data for this variant in the population databases is considered unreliable, as metrics indicate poor data quality at this position in the gnomAD database. This variant has not been reported in the literature in individuals affected with MYBPC3-related conditions. ClinVar contains an entry for this variant (Variation ID: 179554). Algorithms developed to predict the effect of missense changes on protein structure and function output the following: SIFT: "Not Available"; PolyPhen-2: "Benign"; Align-GVGD: "Not Available". The threonine amino acid residue is found in multiple mammalian species, which suggests that this missense change does not adversely affect protein function. In summary, the available evidence is currently insufficient to determine the role of this variant in disease. Therefore, it has been classified as a Variant of Uncertain Significance.

GeneDx
Classification: Uncertain significance. Last evaluated: 2017-04-17. Review status: criteria provided, single submitter. Criteria: GeneDx Variant Classification (06012015). Collection method: clinical testing. Allele origin: germline. Affected: yes.
Comment: A variant of uncertain significance has been identified in the MYBPC3 gene. The I95T variant has not been published as pathogenic or been reported as benign to our knowledge. Additionally, this variant is not observed in large population cohorts (Lek et al., 2016; 1000 Genomes Consortium et al., 2015; Exome Variant Server). The I95T variant is a non-conservative amino acid substitution, which is likely to impact secondary protein structure as these residues differ in polarity, charge, size and/or other properties. However, this substitution occurs at a position that is not conserved across species and threonine (T) is the wild-type residue at this position in multiple mammalian species. Furthermore, in silico analysis predicts this variant likely does not alter the protein structure/function. Finally, there are conflicting classifications in ClinVar where this variant is classified as both a variant of uncertain significance and a likely benign variant by other clinical laboratories (ClinVar SCV000206064.3, SCV000219630.2; Landrum et al., 2016).

Laboratory for Molecular Medicine, Mass General Brigham Personalized Medicine
Classification: Likely benign. Last evaluated: 2014-04-02. Review status: criteria provided, single submitter. Criteria: LMM Criteria. Collection method: clinical testing. Allele origin: germline. Observed: 1 variant allele.
Comment: Ile95Thr in exon 2 of MYBPC3: This variant is not expected to have clinical sign ificance due to a lack of conservation across species, including mammals. Of not e, >10 mammals have a threonine (Thr) at this position despite high nearby amino acid conservation. In addition, this variant was predicted to be benign using a computational tool clinically validated by our laboratory. This tool's benign p rediction is estimated to be correct 89% of the time (Jordan 2011). Ile95Thr in exon 2 of MYBPC3 (allele frequency = n/a)

NM_000256.3(MYBPC3):c.284T>C (p.Ile95Thr)

Gene: MYBPC3 (myosin binding protein C3; minus strand). Cytogenetic location: 11p11.2.
Variant type: single nucleotide variant.
Coding change: c.284T>C on transcript NM_000256.3 (MANE Select); coding-DNA position 284, T replaced by C.
Protein change: p.Ile95Thr; replaces isoleucine 95 with threonine.
Molecular consequence: missense variant.
Genome position (GRCh38, 1-based): chr11:47,351,247, A>G on the plus strand (T>C on the coding strand, the complement: MYBPC3 is on the minus strand). VCF-style: chr11-47351247-A-G. GRCh37 (hg19) VCF-style: chr11-47372798-A-G.
Other names: short protein forms I95T.
Identifiers: ClinVar variation 179554 (VCV000179554.16), dbSNP rs727504945, ClinGen allele CA013055.